The following is an entry in ClinVar:

ClinVar aggregate classification (germline): Uncertain significance. Review status: criteria provided, multiple submitters, no conflicts (2 of 4 stars). 5 submissions from 5 submitters: Uncertain significance (4). 1 of the submissions does not count toward it. Last evaluated 2026-06-21.

Conditions:
Retinal dystrophy. Also called: Inherited retinal dystrophy. Identifiers: Orphanet 71862, MedGen C0854723, MeSH D058499, MONDO:0019118, HP:0000556.
ADGRV1-related disorder. Also called: ADGRV1-related condition; ADGRV1-related disorders.
Inborn genetic diseases. Identifiers: MedGen C0950123, MeSH D030342.

Allele frequency attached by ClinVar (database versions not stated): TOPMed 0.00002; gnomAD 0.00001.
gnomAD v4.1: 59 of 1,612,990 alleles (0.0037%); highest among the groups gnomAD compares: Non-Finnish European, 0.0047%; no homozygotes.

Submissions (5):

PreventionGenetics, part of Exact Sciences
Classification: Uncertain significance for ADGRV1-related condition. Last evaluated: 2026-06-21. Review status: criteria provided, single submitter. Criteria: ACMG Guidelines, 2015. Collection method: clinical testing. Allele origin: germline.
Comment: The ADGRV1 c.8390T>G variant is predicted to result in the amino acid substitution p.Val2797Gly. To our knowledge, this variant has not been reported in the literature. This variant is reported in 0.0094% of alleles in individuals of European (Finnish) descent in gnomAD. At this time, the clinical significance of this variant is uncertain due to the absence of conclusive functional and genetic evidence.

Ambry Genetics
Classification: Uncertain significance for Inborn genetic diseases. Last evaluated: 2022-10-26. Review status: criteria provided, single submitter. Criteria: Ambry Variant Classification Scheme 2023. Collection method: clinical testing. Allele origin: germline.

Labcorp Genetics (formerly Invitae), Labcorp
Classification: Uncertain significance. Last evaluated: 2022-02-09. Review status: criteria provided, single submitter. Criteria: Invitae Variant Classification Sherloc (09022015). Collection method: clinical testing. Allele origin: germline.
Comment: This sequence change replaces valine, which is neutral and non-polar, with glycine, which is neutral and non-polar, at codon 2797 of the ADGRV1 protein (p.Val2797Gly). This variant is present in population databases (rs374346827, gnomAD 0.009%). This variant has not been reported in the literature in individuals affected with ADGRV1-related conditions. ClinVar contains an entry for this variant (Variation ID: 1019901). Algorithms developed to predict the effect of missense changes on protein structure and function are either unavailable or do not agree on the potential impact of this missense change (SIFT: "Deleterious"; PolyPhen-2: "Benign"; Align-GVGD: "Class C0"). In summary, the available evidence is currently insufficient to determine the role of this variant in disease. Therefore, it has been classified as a Variant of Uncertain Significance.

Blueprint Genetics
Classification: Uncertain significance. Last evaluated: 2019-06-23. Review status: criteria provided, single submitter. Criteria: ACMG Guidelines, 2015. Collection method: clinical testing. Allele origin: germline.

Institute of Human Genetics, Univ. Regensburg, Univ. Regensburg
Classification: Uncertain significance for Retinal dystrophy. Last evaluated: 2023-01-01. Review status: no assertion criteria provided. Criteria: ACMG Guidelines, 2015. Collection method: clinical testing. Allele origin: germline. Affected: yes. Not counted in ClinVar's aggregate classification.

NM_032119.4(ADGRV1):c.8390T>G (p.Val2797Gly)

Gene: ADGRV1 (adhesion G protein-coupled receptor V1; plus strand). Cytogenetic location: 5q14.3.
Variant type: single nucleotide variant.
Coding change: c.8390T>G on transcript NM_032119.4 (MANE Select); coding-DNA position 8390, T replaced by G.
Protein change: p.Val2797Gly; replaces valine 2797 with glycine.
Molecular consequence: missense variant. On other transcripts: non-coding transcript variant (1).
Genome position (GRCh38, 1-based): chr5:90,705,403, T>G. VCF-style: chr5-90705403-T-G. GRCh37 (hg19) VCF-style: chr5-90001220-T-G.
Other names: c.8390T>G (NM_032119.3); short protein forms V2797G.
Identifiers: ClinVar variation 1019901 (VCV001019901.10), dbSNP rs374346827, ClinGen allele CA3340253.
Genomic context (GRCh38, chr5:90,705,403, plus strand): 5'-TCCAGCGATTAAAAGCTAATGCCAAATCACTGTTAGATTCCTGCCTGACATTTTTAGGAG[T>G]TCCACCAGCCGGAATCGCCCTGCTTGATGCTCAAGGATATGCAGCTGTCCTCACAGTAGA-3'
Protein context (NP_115495.3, residues 2787-2807): VILYDVRTQG[Val2797Gly]PPAGIALLDA